The following is an entry in ClinVar:

ClinVar aggregate classification (germline): Uncertain significance (1 of 4 stars; one submission).

Allele frequency attached by ClinVar (database versions not stated): gnomAD 0.00001; gnomAD exomes 0.00001 and 0.00002; TOPMed 0.00001.

Submission:

Labcorp Genetics (formerly Invitae), Labcorp
Classification: Uncertain significance. Last evaluated: 2021-12-03. Review status: criteria provided, single submitter. Criteria: Invitae Variant Classification Sherloc (09022015). Collection method: clinical testing. Allele origin: germline.
Comment: This sequence change replaces isoleucine, which is neutral and non-polar, with threonine, which is neutral and polar, at codon 22 of the CEP19 protein (p.Ile22Thr). This variant is present in population databases (no rsID available, gnomAD 0.003%). This variant has not been reported in the literature in individuals affected with CEP19-related conditions. Algorithms developed to predict the effect of missense changes on protein structure and function (SIFT, PolyPhen-2, Align-GVGD) all suggest that this variant is likely to be disruptive. In summary, the available evidence is currently insufficient to determine the role of this variant in disease. Therefore, it has been classified as a Variant of Uncertain Significance.

NM_032898.5(CEP19):c.53T>C (p.Ile18Thr)

Gene: CEP19 (centrosomal protein 19; minus strand). Cytogenetic location: 3q29.
Variant type: single nucleotide variant.
Coding change: c.53T>C on transcript NM_032898.5 (MANE Select); coding-DNA position 53, T replaced by C.
Protein change: p.Ile18Thr; replaces isoleucine 18 with threonine.
Molecular consequence: missense variant. On other transcripts: intron variant (1).
Genome position (GRCh38, 1-based): chr3:196,708,605, A>G on the plus strand (T>C on the coding strand, the complement: CEP19 is on the minus strand). VCF-style: chr3-196708605-A-G. GRCh37 (hg19) VCF-style: chr3-196435476-A-G.
Other names: c.53T>C, p.Ile18Thr (NM_001379469.1, NM_001379470.1); c.26-693T>C (NM_001379468.1); short protein forms I18T.
Identifiers: ClinVar variation 1430002 (VCV001430002.3), dbSNP rs1326528499, ClinGen allele CA355634872.